The following is an entry in ClinVar:

NM_006648.4(WNK2):c.2743G>A (p.Ala915Thr)

Gene: WNK2 (WNK lysine deficient protein kinase 2; plus strand). Cytogenetic location: 9q22.31.
Variant type: single nucleotide variant.
Coding change: c.2743G>A on transcript NM_006648.4 (MANE Select); coding-DNA position 2743, G replaced by A.
Protein change: p.Ala915Thr; replaces alanine 915 with threonine.
Molecular consequence: missense variant.
Genome position (GRCh38, 1-based): chr9:93,259,291, G>A. VCF-style: chr9-93259291-G-A. GRCh37 (hg19) VCF-style: chr9-96021573-G-A.
Other names: c.2743G>A, p.Ala915Thr (NM_001282394.3); short protein forms A915T.
Identifiers: ClinVar variation 3817183 (VCV003817183.1).

ClinVar aggregate classification (germline): Uncertain significance (1 of 4 stars; one submission).

gnomAD v4.1: 2 of 1,613,584 alleles (0.00012%); highest among the groups gnomAD compares: Non-Finnish European, 0.000085%; no homozygotes.

Submission:

Ambry Genetics
Classification: Uncertain significance. Last evaluated: 2025-02-28. Review status: criteria provided, single submitter. Criteria: Ambry Variant Classification Scheme 2023. Collection method: clinical testing. Allele origin: germline.
Comment: The p.A915T variant (also known as c.2743G>A), located in coding exon 11 of the WNK2 gene, results from a G to A substitution at nucleotide position 2743. The alanine at codon 915 is replaced by threonine, an amino acid with similar properties. This amino acid position is conserved. In addition, this alteration is predicted to be tolerated by in silico analysis. Based on the available evidence, the clinical significance of this variant remains unclear.